The following is an entry in ClinVar:

ClinVar aggregate classification (germline): Pathogenic (1 of 4 stars; one submission).

Conditions:
PCWH syndrome. Also called: WAARDENBURG-SHAH SYNDROME, NEUROLOGIC VARIANT. Identifiers: Orphanet 163746, MedGen C1836727, MONDO:0012198, OMIM 609136.

Submission:

Clinical Genetics Laboratory, Skane University Hospital Lund
Classification: Pathogenic for PCWH syndrome. Last evaluated: 2025-08-13. Review status: criteria provided, single submitter. Criteria: ACMG Guidelines, 2015. Collection method: clinical testing. Allele origin: de novo. Affected: yes.
Comment: ACMG-criteria used: PVS1_Strong, PS2, PS4_Supporting, PM2

NM_006941.4(SOX10):c.1114C>T (p.Gln372Ter)

Genes: POLR2F (RNA polymerase II, I and III subunit F; plus strand), SOX10 (SRY-box transcription factor 10; minus strand). Cytogenetic location: 22q13.1.
Variant type: single nucleotide variant.
Coding change: c.1114C>T on transcript NM_006941.4 (MANE Select); coding-DNA position 1114, C replaced by T.
Protein change: p.Gln372Ter; replaces glutamine 372 with a stop codon.
Molecular consequence: nonsense. On other transcripts: intron variant (3).
Genome position (GRCh38, 1-based): chr22:37,973,782, G>A on the plus strand (C>T on the coding strand, the complement: SOX10 is on the minus strand). VCF-style: chr22-37973782-G-A. GRCh37 (hg19) VCF-style: chr22-38369789-G-A.
Other names: c.*38+1472G>A (NM_001363825.1); c.293+6612G>A (NM_001301130.2, NM_001301131.2); short protein forms Q372*.
Identifiers: ClinVar variation 4074718 (VCV004074718.1).
Genomic context (GRCh38, chr22:37,973,782, plus strand): 5'-AGGCTGAGCCATAGTGGGGCAGGCTGAGGGAGGTGTAGGCGATCTGTGAGGTGGATGGCT[G>A]GTCGGTGTAGTGTGGGGGCCCCTGGGGCCCCGCGGTCTCTGTCTTCACCTGGGCTTTGGC-3'